The following is an entry in ClinVar:

NM_006946.4(SPTBN2):c.4821G>C (p.Gln1607His)

Gene: SPTBN2 (spectrin beta, non-erythrocytic 2; minus strand). Cytogenetic location: 11q13.2.
Variant type: single nucleotide variant.
Coding change: c.4821G>C on transcript NM_006946.4 (MANE Select); coding-DNA position 4821, G replaced by C.
Protein change: p.Gln1607His; replaces glutamine 1607 with histidine.
Molecular consequence: missense variant.
Genome position (GRCh38, 1-based): chr11:66,693,219, C>G on the plus strand (G>C on the coding strand, the complement: SPTBN2 is on the minus strand). VCF-style: chr11-66693219-C-G. GRCh37 (hg19) VCF-style: chr11-66460690-C-G.
Other names: c.4842G>C, p.Gln1614His (NM_001411025.1); short protein forms Q1607H, Q1614H.
Identifiers: ClinVar variation 2859059 (VCV002859059.3), dbSNP rs1235641735, ClinGen allele CA381468973.

ClinVar aggregate classification (germline): Uncertain significance (1 of 4 stars; one submission).

Submission:

Labcorp Genetics (formerly Invitae), Labcorp
Classification: Uncertain significance. Last evaluated: 2023-04-25. Review status: criteria provided, single submitter. Criteria: Invitae Variant Classification Sherloc (09022015). Collection method: clinical testing. Allele origin: germline.
Comment: This variant has not been reported in the literature in individuals affected with SPTBN2-related conditions. This variant is not present in population databases (gnomAD no frequency). This sequence change replaces glutamine, which is neutral and polar, with histidine, which is basic and polar, at codon 1607 of the SPTBN2 protein (p.Gln1607His). In summary, the available evidence is currently insufficient to determine the role of this variant in disease. Therefore, it has been classified as a Variant of Uncertain Significance. Advanced modeling of protein sequence and biophysical properties (such as structural, functional, and spatial information, amino acid conservation, physicochemical variation, residue mobility, and thermodynamic stability) performed at Invitae indicates that this missense variant is expected to disrupt SPTBN2 protein function.